The following is an entry in ClinVar:

NM_139285.4(GAS2L2):c.1057G>T (p.Ala353Ser)

Gene: GAS2L2 (growth arrest specific 2 like 2; minus strand). Cytogenetic location: 17q12.
Variant type: single nucleotide variant.
Coding change: c.1057G>T on transcript NM_139285.4 (MANE Select); coding-DNA position 1057, G replaced by T.
Protein change: p.Ala353Ser; replaces alanine 353 with serine.
Molecular consequence: missense variant.
Genome position (GRCh38, 1-based): chr17:35,747,044, C>A on the plus strand (G>T on the coding strand, the complement: GAS2L2 is on the minus strand). VCF-style: chr17-35747044-C-A. GRCh37 (hg19) VCF-style: chr17-34074063-C-A.
Other names: short protein forms A353S.
Identifiers: ClinVar variation 3033336 (VCV003033336.2), dbSNP rs200003144, ClinGen allele CA8506184.
Genomic context (GRCh38, chr17:35,747,044, plus strand): 5'-AAAAGAGCCCCATCCCTGTCTCTTCCCCATACCTCAGGAATGGTGCCATCTCTCTGGAGG[C>A]CCCCGTCCCTGCTCCCCGTTCCCTGCGGGGTCTGGGGGAGGATGGGGTGGGGGGCCTCAG-3'
Protein context (NP_644814.1, residues 343-363): PRRERGAGTG[Ala353Ser]SREMAPFLRC

ClinVar aggregate classification (germline): Likely benign (0 of 4 stars; one submission).

Conditions:
GAS2L2-related disorder. Also called: GAS2L2-related condition.

Allele frequency attached by ClinVar (database versions not stated): TOPMed 0.00010; ExAC 0.00034; 1000 Genomes Project 0.00120; 1000 Genomes Project 30x 0.00125.
gnomAD v4.1: 148 of 1,595,808 alleles (0.0093%); highest among the groups gnomAD compares: East Asian, 0.19%; 1 homozygote.

Submission:

PreventionGenetics, part of Exact Sciences
Classification: Likely benign for GAS2L2-related condition. Last evaluated: 2022-04-27. Review status: no assertion criteria provided. Collection method: clinical testing. Allele origin: germline.
Comment: This variant is classified as likely benign based on ACMG/AMP sequence variant interpretation guidelines (Richards et al. 2015 PMID: 25741868, with internal and published modifications).